The following is an entry in ClinVar:

NM_000039.3(APOA1):c.181G>A (p.Ala61Thr)

Genes: APOA1-AS (APOA1 antisense RNA; plus strand), APOA1 (apolipoprotein A1; minus strand). Cytogenetic location: 11q23.3.
Variant type: single nucleotide variant.
Coding change: c.181G>A on transcript NM_000039.3 (MANE Select); coding-DNA position 181, G replaced by A.
Protein change: p.Ala61Thr; replaces alanine 61 with threonine.
Molecular consequence: missense variant.
Genome position (GRCh38, 1-based): chr11:116,837,020, C>T on the plus strand (G>A on the coding strand, the complement: APOA1 is on the minus strand). VCF-style: chr11-116837020-C-T. GRCh37 (hg19) VCF-style: chr11-116707736-C-T.
Other names: c.181G>A, p.Ala61Thr (NM_001318017.2, NM_001318018.2); c.-147G>A (NM_001318021.2); short protein forms A61T.
Identifiers: ClinVar variation 302507 (VCV000302507.22), dbSNP rs12718465, ClinGen allele CA6289875.

ClinVar aggregate classification (germline): Benign. Review status: criteria provided, multiple submitters, no conflicts (2 of 4 stars). 9 submissions from 6 submitters: Benign (9). Last evaluated 2026-02-03.

Conditions:
Hypoalphalipoproteinemia, primary, 2, intermediate. Also called: HYPOALPHALIPOPROTEINEMIA, PRIMARY, 2, AUTOSOMAL DOMINANT. Identifiers: MedGen C5677030, MONDO:0859238, OMIM 619836.
Cardiovascular phenotype. Identifiers: MedGen CN230736.
Hypoalphalipoproteinemia, primary, 1. Identifiers: Orphanet 425, MedGen C5231558, MONDO:0011393, OMIM 604091.
Hypoalphalipoproteinemia, primary, 2. Also called: HIGH DENSITY LIPOPROTEIN DEFICIENCY; HYPOALPHALIPOPROTEINEMIA, PRIMARY, 2, AUTOSOMAL RECESSIVE. Identifiers: MedGen C5551172, MONDO:0032766, OMIM 618463.
Familial visceral amyloidosis, Ostertag type (AMYLD2). Also called: AMYLOIDOSIS VIII; Ostertag type amyloidosis; Familial visceral amyloidosis; Amyloidosis, hepatic and systemic; AMYLOIDOSIS, HEREDITARY SYSTEMIC 2; Hereditary Renal Amyloidosis. Identifiers: Orphanet 85450, MedGen C0268389, MONDO:0007099, OMIM 105200.

Allele frequency attached by ClinVar (database versions not stated): gnomAD 0.00091 and 0.00135; gnomAD exomes 0.00130 and 0.00296; TOPMed 0.00150; ExAC 0.00285; 1000 Genomes Project 30x 0.00750; 1000 Genomes Project 0.00819.
gnomAD v4.1: 2,164 of 1,614,144 alleles (0.13%); highest among the groups gnomAD compares: East Asian, 4.4%; 46 homozygotes.

Submissions (9):

Labcorp Genetics (formerly Invitae), Labcorp
Classification: Benign. Last evaluated: 2026-02-03. Review status: criteria provided, single submitter. Criteria: Invitae Variant Classification Sherloc (09022015). Collection method: clinical testing. Allele origin: germline.

Genome-Nilou Lab
Classification: Benign for Familial visceral amyloidosis, Ostertag type. Last evaluated: 2021-12-05. Review status: criteria provided, single submitter. Criteria: ACMG Guidelines, 2015. Collection method: clinical testing. Allele origin: germline. Affected: no.

Genome-Nilou Lab
Classification: Benign for Hypoalphalipoproteinemia, primary, 2. Last evaluated: 2021-12-05. Review status: criteria provided, single submitter. Criteria: ACMG Guidelines, 2015. Collection method: clinical testing. Allele origin: germline. Affected: no.

Genome-Nilou Lab
Classification: Benign for Hypoalphalipoproteinemia, primary, 2, intermediate. Last evaluated: 2021-12-05. Review status: criteria provided, single submitter. Criteria: ACMG Guidelines, 2015. Collection method: clinical testing. Allele origin: germline. Affected: no.

Genetic Services Laboratory, University of Chicago
Classification: Benign. Last evaluated: 2021-03-19. Review status: criteria provided, single submitter. Criteria: ACMG Guidelines, 2015. Collection method: clinical testing. Allele origin: germline. Affected: no.

Ambry Genetics
Classification: Benign for Cardiovascular phenotype. Last evaluated: 2020-01-23. Review status: criteria provided, single submitter. Criteria: Ambry Variant Classification Scheme 2023. Collection method: clinical testing. Allele origin: germline.

Women's Health and Genetics/Laboratory Corporation of America, LabCorp
Classification: Benign. Last evaluated: 2018-10-29. Review status: criteria provided, single submitter. Criteria: LabCorp Variant Classification Summary - May 2015. Collection method: clinical testing. Allele origin: germline.
Comment: Variant summary: APOA1 c.181G>A (p.Ala61Thr) results in a non-conservative amino acid change in the encoded protein sequence. Four of five in-silico tools predict a benign effect of the variant on protein function. The variant allele was found at a frequency of 0.0028 in 277088 control chromosomes, predominantly at a frequency of 0.04 within the East Asian subpopulation in the gnomAD database, including 13 homozygotes. The observed variant frequency within East Asian control individuals in the gnomAD database is approximately 4000 fold of the estimated maximal expected allele frequency for a pathogenic variant in APOA1 causing Apoliprotein A1 Amyloidosis phenotype (1e-05), strongly suggesting that the variant is a benign polymorphism found primarily in populations of East Asian origin. c.181G>A has been reported in the literature in individuals affected with Apoliprotein A1 deficiency, familial hypercholesterolemia, and Moyamoya disease (Matsunaga_1991, Pek_2017, Shoemaker_2015). These reports do not provide unequivocal conclusions about association of the variant with Apoliprotein A1 Amyloidosis, Apolipoprotein-A1 deficiency or familial hypercholestrolemia. In addition, six control individuals who carry this variant showed normal plasma HDL cholesterol and apoA-I (Matsunaga_1991). To our knowledge, no experimental evidence demonstrating an impact on protein function has been reported. One clinical diagnostic laboratory has submitted clinical-significance assessments for this variant to ClinVar after 2014 without evidence for independent evaluation. One laboratory classified the variant as likely benign. Based on the evidence outlined above, the variant was classified as benign.

Illumina Laboratory Services, Illumina
Classification: Benign for Hypoalphalipoproteinemia, primary, 1. Last evaluated: 2018-01-13. Review status: criteria provided, single submitter. Criteria: ICSL Variant Classification Criteria 13 December 2019. Collection method: clinical testing. Allele origin: germline.
Comment: This variant was observed in the ICSL laboratory as part of a predisposition screen in an ostensibly healthy population. It had not been previously curated by ICSL or reported in the Human Gene Mutation Database (HGMD: prior to June 1st, 2018), and was therefore a candidate for classification through an automated scoring system. Utilizing variant allele frequency, disease prevalence and penetrance estimates, and inheritance mode, an automated score was calculated to assess if this variant is too frequent to cause the disease. Based on the score and internal cut-off values, a variant classified as benign is not then subjected to further curation. The score for this variant resulted in a classification of benign for this disease.

Illumina Laboratory Services, Illumina
Classification: Benign for Familial visceral amyloidosis, Ostertag type. Last evaluated: 2018-01-13. Review status: criteria provided, single submitter. Criteria: ICSL Variant Classification Criteria 13 December 2019. Collection method: clinical testing. Allele origin: germline.
Comment: the same text as in the submission from Illumina Laboratory Services, Illumina above.

Literature cited by the submitters: PubMed 1901417 (cited by Ambry Genetics and Women's Health and Genetics/Laboratory Corporation of America, LabCorp); PubMed 26530418 (cited by Ambry Genetics and Women's Health and Genetics/Laboratory Corporation of America, LabCorp); PubMed 29083407 (cited by Ambry Genetics); PubMed 29353225 (cited by Ambry Genetics and Women's Health and Genetics/Laboratory Corporation of America, LabCorp).